The following is an entry in ClinVar:

ClinVar aggregate classification (germline): Uncertain significance. Review status: criteria provided, multiple submitters, no conflicts (2 of 4 stars). 4 submissions from 4 submitters: Uncertain significance (4). Last evaluated 2026-01-28.

Conditions:
Cardiovascular phenotype. Identifiers: MedGen CN230736.
Familial hypercholesterolemia. Also called: Familial hypercholesterolemias; Familial hypercholesterolaemia. Identifiers: MedGen C0020445, MONDO:0005439.
Hypercholesterolemia, autosomal dominant, 3 (FHCL3). Also called: Familial Hypercholesterolemia, Autosomal Dominant, 3; PCSK9-Related Familial Hypercholesterolemia, Autosomal Dominant; Familial hypercholesterolemia 3. Identifiers: MedGen C1863551, MONDO:0011369, OMIM 603776.

Allele frequency attached by ClinVar (database versions not stated): gnomAD exomes 0.00001; ExAC 0.00003.
gnomAD v4.1: 6 of 1,613,120 alleles (0.00037%); highest among the groups gnomAD compares: Non-Finnish European, 0.000085%; no homozygotes.

Submissions (4):

Ambry Genetics
Classification: Uncertain significance for Cardiovascular phenotype. Last evaluated: 2026-01-28. Review status: criteria provided, single submitter. Criteria: Ambry Variant Classification Scheme 2023. Collection method: clinical testing. Allele origin: germline.
Comment: The p.K258E variant (also known as c.772A>G), located in coding exon 5 of the PCSK9 gene, results from an A to G substitution at nucleotide position 772. The lysine at codon 258 is replaced by glutamic acid, an amino acid with similar properties. This variant was reported in individual(s) with features consistent with hyperlipidemia (Hu X et al. Gene, 2021 Feb;768:145310). This amino acid position is well conserved in available vertebrate species. In addition, this alteration is predicted to be tolerated by in silico analysis. Based on the available evidence, the clinical significance of this variant remains unclear.

Color Diagnostics, LLC DBA Color Health
Classification: Uncertain significance for Familial hypercholesterolemia. Last evaluated: 2023-10-16. Review status: criteria provided, single submitter. Criteria: ACMG Guidelines, 2015. Collection method: clinical testing. Allele origin: germline.
Comment: This missense variant replaces lysine with glutamic acid at codon 258 of the PCSK9 protein. Computational prediction suggests that this variant may not impact protein structure and function (internally defined REVEL score threshold <= 0.5, PMID: 27666373). To our knowledge, functional studies have not been performed for this variant. This variant has been reported in one individual affected with familial hypercholesterolemia (PMID: 33217533). This variant has been identified in 3/248722 chromosomes in the general population by the Genome Aggregation Database (gnomAD). The available evidence is insufficient to determine the role of this variant in disease conclusively. Therefore, this variant is classified as a Variant of Uncertain Significance.

Labcorp Genetics (formerly Invitae), Labcorp
Classification: Uncertain significance for Hypercholesterolemia, autosomal dominant, 3. Last evaluated: 2022-06-26. Review status: criteria provided, single submitter. Criteria: Invitae Variant Classification Sherloc (09022015). Collection method: clinical testing. Allele origin: germline.
Comment: ClinVar contains an entry for this variant (Variation ID: 920354). In summary, the available evidence is currently insufficient to determine the role of this variant in disease. Therefore, it has been classified as a Variant of Uncertain Significance. Advanced modeling of protein sequence and biophysical properties (such as structural, functional, and spatial information, amino acid conservation, physicochemical variation, residue mobility, and thermodynamic stability) performed at Invitae indicates that this missense variant is not expected to disrupt PCSK9 protein function. This variant has not been reported in the literature in individuals affected with PCSK9-related conditions. This variant is present in population databases (rs771479424, gnomAD 0.004%). This sequence change replaces lysine, which is basic and polar, with glutamic acid, which is acidic and polar, at codon 258 of the PCSK9 protein (p.Lys258Glu).

Human Genome Sequencing Center Clinical Lab, Baylor College of Medicine
Classification: Uncertain significance for Hypercholesterolemia, autosomal dominant, 3. Review status: criteria provided, single submitter. Criteria: ACMG Guidelines, 2015. Collection method: clinical testing. Allele origin: germline.

Literature cited by the submitters: PubMed 33217533 (cited by Ambry Genetics and Color Diagnostics, LLC DBA Color Health).

NM_174936.4(PCSK9):c.772A>G (p.Lys258Glu)

Gene: PCSK9 (proprotein convertase subtilisin/kexin type 9; plus strand). Cytogenetic location: 1p32.3.
Variant type: single nucleotide variant.
Coding change: c.772A>G on transcript NM_174936.4 (MANE Select); coding-DNA position 772, A replaced by G.
Protein change: p.Lys258Glu; replaces lysine 258 with glutamic acid.
Molecular consequence: missense variant.
Genome position (GRCh38, 1-based): chr1:55,052,764, A>G. VCF-style: chr1-55052764-A-G. GRCh37 (hg19) VCF-style: chr1-55518437-A-G.
Other names: c.895A>G, p.Lys299Glu (NM_001407240.1); c.772A>G, p.Lys258Glu (NM_001407241.1, NM_001407244.1, NM_001407247.1); c.775A>G, p.Lys259Glu (NM_001407242.1); c.715A>G, p.Lys239Glu (NM_001407243.1); c.580A>G, p.Lys194Glu (NM_001407245.1); c.397A>G, p.Lys133Glu (NM_001407246.1); short protein forms K258E, K194E, K259E, K133E, K299E, K239E.
Identifiers: ClinVar variation 920354 (VCV000920354.10), dbSNP rs771479424, ClinGen allele CA044388.
Genomic context (GRCh38, chr1:55,052,764, plus strand): 5'-GATGCCGGCGTGGCCAAGGGTGCCAGCATGCGCAGCCTGCGCGTGCTCAACTGCCAAGGG[A>G]AGGGCACGGTTAGCGGCACCCTCATAGGTAAGTGATGGCCCCAGACGCTGGTCTCTCTCC-3'
Protein context (NP_777596.2, residues 248-268): RSLRVLNCQG[Lys258Glu]GTVSGTLIGL